The following is an entry in ClinVar:

NM_001848.3(COL6A1):c.1612-3C>T

Gene: COL6A1 (collagen type VI alpha 1 chain; plus strand). Cytogenetic location: 21q22.3.
Variant type: single nucleotide variant.
Coding change: c.1612-3C>T on transcript NM_001848.3 (MANE Select); 3 bases into the intron before coding-DNA position 1612, C replaced by T.
Molecular consequence: intron variant.
Genome position (GRCh38, 1-based): chr21:45,998,894, C>T. VCF-style: chr21-45998894-C-T. GRCh37 (hg19) VCF-style: chr21-47418808-C-T.
Identifiers: ClinVar variation 851503 (VCV000851503.8), dbSNP rs767913216, ClinGen allele CA10070456.
Genomic context (GRCh38, chr21:45,998,894, plus strand): 5'-AATTTCCACTTCCTAAAAACAAAATAAAACCCTTGTTAACCAAGTGCTCTCCCGTCACTG[C>T]AGGGCACGAAGGGCTACCCCGGCCTCAAGGGGGACGAGGGAGAAGCCGGGGACCCCGGAG-3'

ClinVar aggregate classification (germline): Uncertain significance (1 of 4 stars; one submission).

Conditions:
Bethlem myopathy 1A. Also called: MYOPATHY, BENIGN CONGENITAL, WITH CONTRACTURES; Bethlem myopathy 1; Bethlem Muscular Dystrophy. Identifiers: Orphanet 610, MedGen CN029274, MONDO:0024530, OMIM 158810.

Allele frequency attached by ClinVar (database versions not stated): gnomAD below 0.00001 and 0.00001; gnomAD exomes 0.00001 and 0.00002; TOPMed 0.00001; ExAC 0.00010.
gnomAD v4.1: 12 of 1,554,120 alleles (0.00077%); highest among the groups gnomAD compares: South Asian, 0.013%; no homozygotes.

Submission:

Labcorp Genetics (formerly Invitae), Labcorp
Classification: Uncertain significance for Bethlem myopathy 1A. Last evaluated: 2022-07-29. Review status: criteria provided, single submitter. Criteria: Invitae Variant Classification Sherloc (09022015). Collection method: clinical testing. Allele origin: germline.
Comment: This sequence change falls in intron 24 of the COL6A1 gene. It does not directly change the encoded amino acid sequence of the COL6A1 protein. It affects a nucleotide within the consensus splice site. The frequency data for this variant in the population databases is considered unreliable, as metrics indicate poor data quality at this position in the gnomAD database. This variant has not been reported in the literature in individuals affected with COL6A1-related conditions. ClinVar contains an entry for this variant (Variation ID: 851503). Variants that disrupt the consensus splice site are a relatively common cause of aberrant splicing (PMID: 17576681, 9536098). Algorithms developed to predict the effect of sequence changes on RNA splicing suggest that this variant is not likely to affect RNA splicing. In summary, the available evidence is currently insufficient to determine the role of this variant in disease. Therefore, it has been classified as a Variant of Uncertain Significance.

Literature cited by the submitters: PubMed 17576681; PubMed 9536098.